The following is an entry in ClinVar:

ClinVar aggregate classification (germline): Pathogenic (1 of 4 stars; one submission).

Conditions:
Ataxia-telangiectasia syndrome (AT). Also called: Ataxia-telangiectasia, complementation group D; AT, COMPLEMENTATION GROUP C; Ataxia telangiectasia (A-T); Cerebello-oculocutaneous telangiectasia; Immunodeficiency with ataxia telangiectasia; Ataxia-telangiectasia. Identifiers: Orphanet 100, MedGen C0004135, MONDO:0008840, OMIM 208900.

Submission:

Labcorp Genetics (formerly Invitae), Labcorp
Classification: Pathogenic for Ataxia-telangiectasia syndrome. Last evaluated: 2019-12-13. Review status: criteria provided, single submitter. Criteria: Invitae Variant Classification Sherloc (09022015). Collection method: clinical testing. Allele origin: germline.
Comment: This sequence change creates a premature translational stop signal (p.Met617Hisfs*6) in the ATM gene. It is expected to result in an absent or disrupted protein product. For these reasons, this variant has been classified as Pathogenic. Loss-of-function variants in ATM are known to be pathogenic (PMID: 23807571, 25614872). This variant has not been reported in the literature in individuals with ATM-related conditions. This variant is not present in population databases (ExAC no frequency).

Literature cited by the submitters: PubMed 23807571; PubMed 25614872.

NM_000051.4(ATM):c.1845_1848dup (p.Met617fs)

Gene: ATM (ATM serine/threonine kinase; plus strand). Cytogenetic location: 11q22.3.
Variant type: Duplication.
Coding change: c.1845_1848dup on transcript NM_000051.4 (MANE Select); coding-DNA positions 1845 to 1848, 4 bases duplicated (CACT; older notation c.1845_1848dupCACT).
Protein change: p.Met617fs; shifts the reading frame from methionine 617.
Molecular consequence: frameshift variant.
Genome position (GRCh38, 1-based): chr11:108,252,859-108,252,862, CACT duplicated; duplicating any 4 consecutive bases within chr11:108,252,857-108,252,862 gives the same sequence; the c. name uses the placement nearest the transcript's 3' end. VCF-style (leftmost placement, unchanged base first): chr11-108252856-T-TCTCA. GRCh37 (hg19) VCF-style: chr11-108123583-T-TCTCA.
Other names: c.1845_1848dup, p.Met617fs (NM_001351834.2); short protein forms M617fs.
Identifiers: ClinVar variation 842618 (VCV000842618.8), dbSNP rs2080229346, ClinGen allele CA916080449.
Genomic context (GRCh38, chr11:108,252,856, plus strand): 5'-GCTTTTTGTTTTTCTTTGTAGTAATTTTCCTCATCTTGTACTGGAGAAAATTCTTGTGAG[T>TCTCA]CTCACTATGAAAAACTGTAAAGCTGCAATGAATTTTTTCCAAAGCGTGCCAGAATGGTAT-3'